The following is an entry in ClinVar:

ClinVar aggregate classification (germline): Uncertain significance. Review status: criteria provided, multiple submitters, no conflicts (2 of 4 stars). 3 submissions from 3 submitters: Uncertain significance (3). Last evaluated 2024-12-02.

Conditions:
Jeune thoracic dystrophy. Also called: Jeune syndrome; Infantile thoracic dystrophy; Thoracic pelvic phalangeal dystrophy; Jeune's syndrome; Chondroectodermal dysplasia-like syndrome; Short-rib thoracic dysplasia. Identifiers: Orphanet 474, MedGen C0265275, MONDO:0018770.

Allele frequency attached by ClinVar (database versions not stated): gnomAD exomes 0.00012 and 0.00014; gnomAD 0.00013 and 0.00014; ExAC 0.00014; TOPMed 0.00014; ESP Exome Variant Server 0.00017.
gnomAD v4.1: 224 of 1,612,494 alleles (0.014%); highest among the groups gnomAD compares: Admixed American, 0.018%; no homozygotes.

Submissions (3):

Labcorp Genetics (formerly Invitae), Labcorp
Classification: Uncertain significance for Jeune thoracic dystrophy. Last evaluated: 2024-12-02. Review status: criteria provided, single submitter. Criteria: Invitae Variant Classification Sherloc (09022015). Collection method: clinical testing. Allele origin: germline.
Comment: This sequence change replaces arginine, which is basic and polar, with cysteine, which is neutral and slightly polar, at codon 3937 of the DYNC2H1 protein (p.Arg3937Cys). This variant is present in population databases (rs199705540, gnomAD 0.03%). This variant has not been reported in the literature in individuals affected with DYNC2H1-related conditions. ClinVar contains an entry for this variant (Variation ID: 1317332). Invitae Evidence Modeling of protein sequence and biophysical properties (such as structural, functional, and spatial information, amino acid conservation, physicochemical variation, residue mobility, and thermodynamic stability) indicates that this missense variant is expected to disrupt DYNC2H1 protein function with a positive predictive value of 95%. In summary, the available evidence is currently insufficient to determine the role of this variant in disease. Therefore, it has been classified as a Variant of Uncertain Significance.

Blueprint Genetics
Classification: Uncertain significance. Last evaluated: 2024-06-24. Review status: criteria provided, single submitter. Criteria: ACMG Guidelines, 2015. Collection method: clinical testing. Allele origin: germline.

GeneDx
Classification: Uncertain significance. Last evaluated: 2019-07-09. Review status: criteria provided, single submitter. Criteria: GeneDx Variant Classification Process June 2021. Collection method: clinical testing. Allele origin: germline. Affected: yes.
Comment: In silico analysis, which includes protein predictors and evolutionary conservation, supports a deleterious effect; Has not been previously published as pathogenic or benign to our knowledge

NM_001377.3(DYNC2H1):c.11788C>T (p.Arg3930Cys)

Gene: DYNC2H1 (dynein cytoplasmic 2 heavy chain 1; plus strand). Cytogenetic location: 11q22.3.
Variant type: single nucleotide variant.
Coding change: c.11788C>T on transcript NM_001377.3 (MANE Select); coding-DNA position 11788, C replaced by T.
Protein change: p.Arg3930Cys; replaces arginine 3930 with cysteine.
Molecular consequence: missense variant.
Genome position (GRCh38, 1-based): chr11:103,321,091, C>T. VCF-style: chr11-103321091-C-T. GRCh37 (hg19) VCF-style: chr11-103191820-C-T.
Other names: c.11809C>T, p.Arg3937Cys (NM_001080463.2); short protein forms R3930C, R3937C.
Identifiers: ClinVar variation 1317332 (VCV001317332.5), dbSNP rs199705540, ClinGen allele CA6255377.